The following is an entry in ClinVar:

ClinVar aggregate classification (germline): Likely benign. Review status: criteria provided, multiple submitters, no conflicts (2 of 4 stars). 2 submissions from 2 submitters: Likely benign (2). Last evaluated 2022-08-01.

Allele frequency attached by ClinVar (database versions not stated): ExAC 0.00012; gnomAD exomes 0.00014 and 0.00015; ESP Exome Variant Server 0.00015; gnomAD 0.00021 and 0.00023; TOPMed 0.00021.
gnomAD v4.1: 241 of 1,576,268 alleles (0.015%); highest among the groups gnomAD compares: Admixed American, 0.082%; no homozygotes.

Submissions (2):

CeGaT Center for Human Genetics Tuebingen
Classification: Likely benign. Last evaluated: 2022-08-01. Review status: criteria provided, single submitter. Criteria: CeGaT Center For Human Genetics Tuebingen Variant Classification Criteria Version 2. Collection method: clinical testing. Allele origin: germline. Affected: yes. Observed: 1 variant allele.
Comment: FRMD4A: BP4, BP7

Labcorp Genetics (formerly Invitae), Labcorp
Classification: Likely benign. Last evaluated: 2018-03-01. Review status: criteria provided, single submitter. Criteria: Invitae Variant Classification Sherloc (09022015). Collection method: clinical testing. Allele origin: germline.

NM_018027.5(FRMD4A):c.2886C>T (p.Ser962=)

Gene: FRMD4A (FERM domain containing 4A; minus strand). Cytogenetic location: 10p13.
Variant type: single nucleotide variant.
Coding change: c.2886C>T on transcript NM_018027.5 (MANE Select); coding-DNA position 2886, C replaced by T.
Protein change: p.Ser962=; no amino-acid change (serine 962 retained).
Molecular consequence: synonymous variant.
Genome position (GRCh38, 1-based): chr10:13,656,703, G>A on the plus strand (C>T on the coding strand, the complement: FRMD4A is on the minus strand). VCF-style: chr10-13656703-G-A. GRCh37 (hg19) VCF-style: chr10-13698703-G-A.
Other names: c.2934C>T, p.Ser978= (NM_001318336.2); c.2985C>T, p.Ser995= (NM_001318337.2); c.1959C>T, p.Ser653= (NM_001318338.2).
Identifiers: ClinVar variation 728534 (VCV000728534.27), dbSNP rs370459275, ClinGen allele CA5413927.